The following is an entry in ClinVar:

ClinVar aggregate classification (germline): Uncertain significance (1 of 4 stars; one submission).

Allele frequency attached by ClinVar (database versions not stated): gnomAD exomes below 0.00001.
gnomAD v4.1: 1 of 1,614,014 alleles (0.000062%); highest among the groups gnomAD compares: Non-Finnish European, 0.000085%; no homozygotes.

Submission:

Labcorp Genetics (formerly Invitae), Labcorp
Classification: Uncertain significance. Last evaluated: 2025-08-11. Review status: criteria provided, single submitter. Criteria: Invitae Variant Classification Sherloc (09022015). Collection method: clinical testing. Allele origin: germline.
Comment: This sequence change replaces histidine, which is basic and polar, with proline, which is neutral and non-polar, at codon 1167 of the ADGRA3 protein (p.His1167Pro). This variant is not present in population databases (gnomAD no frequency). This variant has not been reported in the literature in individuals affected with ADGRA3-related conditions. ClinVar contains an entry for this variant (Variation ID: 1377536). An algorithm developed to predict the effect of missense changes on protein structure and function (PolyPhen-2) suggests that this variant is likely to be disruptive. In summary, the available evidence is currently insufficient to determine the role of this variant in disease. Therefore, it has been classified as a Variant of Uncertain Significance.

NM_145290.4(ADGRA3):c.3500A>C (p.His1167Pro)

Gene: ADGRA3 (adhesion G protein-coupled receptor A3; minus strand). Cytogenetic location: 4p15.2.
Variant type: single nucleotide variant.
Coding change: c.3500A>C on transcript NM_145290.4 (MANE Select); coding-DNA position 3500, A replaced by C.
Protein change: p.His1167Pro; replaces histidine 1167 with proline.
Molecular consequence: missense variant.
Genome position (GRCh38, 1-based): chr4:22,388,171, T>G on the plus strand (A>C on the coding strand, the complement: ADGRA3 is on the minus strand). VCF-style: chr4-22388171-T-G. GRCh37 (hg19) VCF-style: chr4-22389794-T-G.
Other names: short protein forms H1167P.
Identifiers: ClinVar variation 1377536 (VCV001377536.6), dbSNP rs2108988588, ClinGen allele CA356472305.